The following continues an entry in ClinVar:

NM_000065.5(C6):c.2381+2T>C

Gene: C6. ClinVar aggregate classification (germline): Conflicting classifications of pathogenicity. Pathogenic (8); Likely pathogenic (5); Uncertain significance (4).

Submissions 15 to 29 of 29:

Labcorp Genetics (formerly Invitae), Labcorp
Classification: Uncertain significance. Last evaluated: 2022-10-25. Review status: criteria provided, single submitter. Criteria: Invitae Variant Classification Sherloc (09022015). Collection method: clinical testing. Allele origin: germline.
Comment: This sequence change affects a donor splice site in intron 16 of the C6 gene. It is expected to disrupt RNA splicing. Variants that disrupt the donor or acceptor splice site typically lead to a loss of protein function (PMID: 16199547), and loss-of-function variants in C6 are known to be pathogenic (PMID: 17257682). This variant is present in population databases (rs76202909, gnomAD 0.4%), and has an allele count higher than expected for a pathogenic variant. Disruption of this splice site has been observed in individual(s) with C6 deficiency and recurrent infections. It has also been observed as heterozygous in individuals with subtotal C6 deficiency (C6SD), a condition in which individuals have decreased C6 levels, but are able to form a terminal complement complex, and do not appear to have increased susceptibility to Neisserial infections compared to the general population (PMID: 7535801, 8871666, 24378253). This variant is also known as an intron 15 variant. ClinVar contains an entry for this variant (Variation ID: 379370). Algorithms developed to predict the effect of sequence changes on RNA splicing suggest that this variant may disrupt the consensus splice site. In summary, the available evidence is currently insufficient to determine the role of this variant in disease. Therefore, it has been classified as a Variant of Uncertain Significance.

HudsonAlpha Institute for Biotechnology
Classification: Pathogenic for Complement component 6 deficiency. Last evaluated: 2022-04-28. Review status: criteria provided, single submitter. Criteria: ACMG Guidelines, 2015. Collection method: research. Allele origin: unknown. Affected: yes. Observed: 1 variant allele. Study: HudsonAlpha-AGHI-WGS.
Comment: ACMG codes: PVS1, PS3, PS4_supporting, PM2_supporting, PP1

Neuberg Centre For Genomic Medicine, NCGM
Classification: Pathogenic for Complement component 6 deficiency. Review status: criteria provided, single submitter. Criteria: ACMG Guidelines, 2015. Collection method: clinical testing. Allele origin: germline. Inheritance: Autosomal recessive inheritance. Affected: yes.
Comment: The observed invariant splice donor c.2381+2T>C variant in C6 gene has been reported previously in individuals affected with C6 deficiency Würzner et al., 1995; Fernie et al., 1996; Westra et al., 2014. Functional studies demonstrate that this variant allows for formation of a bactericidal-active, though less efficient, protein Würzner et al., 1995; Westra et al., 2014. The c.2381+2T>C variant is present with allele frequency of 0.2% in gnomAD Exomes. This variant has been submitted to the ClinVar database as Uncertain significance/ Likely Pathogenic/ Pathogenic multiple submissions. The SpliceAI predicts a score of 0.94 for this variant. Loss of function variants in C6 gene have been previously reported to be disease causing Parham et al., 2007. For these reasons, this variant has been classified as Pathogenic. In absence of another reportable variant in C6 gene, the molecular diagnosis is not confirmed.

OMIM
Classification: Pathogenic for C6 DEFICIENCY, SUBTOTAL. Last evaluated: 1996-10-15. Review status: no assertion criteria provided. Collection method: literature only. Allele origin: germline. Not counted in ClinVar's aggregate classification.

Clinical Genetics DNA and cytogenetics Diagnostics Lab, Erasmus MC, Erasmus Medical Center
Classification: Likely pathogenic. Review status: no assertion criteria provided. Collection method: clinical testing. Allele origin: germline. Affected: yes. Study: VKGL Data-share Consensus. Not counted in ClinVar's aggregate classification.

Department of Pathology and Laboratory Medicine, Sinai Health System
Classification: Likely pathogenic. Review status: no assertion criteria provided. Collection method: clinical testing. Allele origin: unknown. Affected: yes. Study: The Canadian Open Genetics Repository (COGR). Not counted in ClinVar's aggregate classification.
Comment: The C6 c.2381+2T>C variant was identified in 2 of 266 chromosomes (frequency: 0.0075) from a cohort of 133 infants with critical congenital heart disease (Russell_2019_PMID:31453292). The variant was also identified in an infant patient with recurrent infections; The patient's C6 levels were ~5% of wildtype, while the father and sister carrying only the c.2381+2T>C variant had 50% C6 levels compared to wildtype (Westra_2014_PMID:24378253). Three patients with subtotal C6 deficiency from 2 families were previously found to be heterozygous for the c.2381+2T>C variant. The C6 concentration in these patients was found to be 1-2% of the normal mean but was not completely absent; a smaller C6 product was identified that is 14% shorter than normal C6 and was attributed to the c.2381+2T>C variant which is expected to lead to abnormal splicing and a premature stop codon 17 amino acids downstream of the intron-exon boundary (Wurzner_1995_PMID:7535801). The variant was identified in dbSNP (ID: rs76202909), ClinVar (classified as pathogenic by Blueprint Genetics and uncertain significance by GeneDx) and LOVD 3.0 (classified as likely pathogenic and pathogenic by VKGL-NL). The variant was identified in control databases in 626 of 282244 chromosomes at a frequency of 0.002218 increasing the likelihood this could be a low frequency benign variant (Genome Aggregation Database March 6, 2019, v2.1.1). The variant was observed in the following populations: European (non-Finnish) in 491 of 128722 chromosomes (freq: 0.003814), Other in 23 of 7196 chromosomes (freq: 0.003196), South Asian in 47 of 30612 chromosomes (freq: 0.001535), European (Finnish) in 20 of 25096 chromosomes (freq: 0.000797), Latino in 28 of 35384 chromosomes (freq: 0.000791) and African in 17 of 24966 chromosomes (freq: 0.000681), but was not observed in the Ashkenazi Jewish or East Asian populations. The c.2381+2T>C variant is predicted to cause abnormal splicing because the nucleotide substitution occurs in the invariant region of the splice consensus sequence. In summary, based on the above information the clinical significance of this variant cannot be determined with certainty at this time although we would lean towards a more pathogenic role for this variant. This variant is classified as likely pathogenic.

Diagnostic Laboratory, Department of Genetics, University Medical Center Groningen
Classification: Likely pathogenic. Review status: no assertion criteria provided. Collection method: clinical testing. Allele origin: germline. Affected: yes. Study: VKGL Data-share Consensus. Not counted in ClinVar's aggregate classification.

Dr. Peter K. Rogan Lab, Western University
No classification provided (evidence only). Condition: Malignant tumor of urinary bladder. Review status: no classification provided. Collection method: in vitro. Allele origin: not applicable. Functional consequence: retained intron. Not counted in ClinVar's aggregate classification.

Dr. Peter K. Rogan Lab, Western University
No classification provided (evidence only). Condition: Clear cell carcinoma of kidney. Review status: no classification provided. Collection method: in vitro. Allele origin: not applicable. Functional consequence: retained intron. Not counted in ClinVar's aggregate classification.

Dr. Peter K. Rogan Lab, Western University
No classification provided (evidence only). Condition: Lung cancer. Review status: no classification provided. Collection method: in vitro. Allele origin: not applicable. Functional consequence: retained intron. Not counted in ClinVar's aggregate classification.

Dr. Peter K. Rogan Lab, Western University
No classification provided (evidence only). Condition: Melanoma. Review status: no classification provided. Collection method: in vitro. Allele origin: not applicable. Functional consequence: retained intron. Not counted in ClinVar's aggregate classification.

Dr. Peter K. Rogan Lab, Western University
No classification provided (evidence only). Condition: Melanoma. Review status: no classification provided. Collection method: in vitro. Allele origin: not applicable. Functional consequence: retained intron. Not counted in ClinVar's aggregate classification.

Dr. Peter K. Rogan Lab, Western University
No classification provided (evidence only). Condition: Hepatocellular carcinoma. Review status: no classification provided. Collection method: in vitro. Allele origin: not applicable. Functional consequence: retained intron. Not counted in ClinVar's aggregate classification.

Genome Diagnostics Laboratory, University Medical Center Utrecht
Classification: Likely pathogenic. Review status: no assertion criteria provided. Collection method: clinical testing. Allele origin: germline. Affected: yes. Study: VKGL Data-share Consensus. Not counted in ClinVar's aggregate classification.

Joint Genome Diagnostic Labs from Nijmegen and Maastricht, Radboudumc and MUMC+
Classification: Pathogenic. Review status: no assertion criteria provided. Collection method: clinical testing. Allele origin: germline. Affected: yes. Study: VKGL Data-share Consensus. Not counted in ClinVar's aggregate classification.

Literature cited by the submitters: PubMed 7535801 (cited by 6 submitters); PubMed 24378253 (cited by 4 submitters); PubMed 2437825 (cited by Dasa); PubMed 31440263 (cited by Victorian Clinical Genetics Services, Murdoch Childrens Research Institute); PubMed 33386334 (cited by Victorian Clinical Genetics Services, Murdoch Childrens Research Institute); PubMed 16199547 (cited by Labcorp Genetics (formerly Invitae), Labcorp); PubMed 17257682 (cited by Labcorp Genetics (formerly Invitae), Labcorp); PubMed 8871666 (cited by Labcorp Genetics (formerly Invitae), Labcorp and OMIM).